The following is an entry in ClinVar:

NM_006767.4(LZTR1):c.1336_1338del (p.Glu446del)

Gene: LZTR1 (leucine zipper like post translational regulator 1; plus strand). Cytogenetic location: 22q11.21.
Variant type: Deletion.
Coding change: c.1336_1338del on transcript NM_006767.4 (MANE Select); coding-DNA positions 1336 to 1338, 3 bases deleted (GAG; older notation c.1336_1338delGAG).
Protein change: p.Glu446del; deletes glutamic acid 446.
Molecular consequence: inframe deletion.
Genome position (GRCh38, 1-based): chr22:20,993,737-20,993,739, GAG deleted; deleting any 3 consecutive bases within chr22:20,993,736-20,993,739 gives the same sequence; the c. name uses the placement nearest the transcript's 3' end. VCF-style (leftmost placement, unchanged base first): chr22-20993735-TGGA-T. GRCh37 (hg19) VCF-style: chr22-21348024-TGGA-T.
Other names: short protein forms E446del.
Identifiers: ClinVar variation 1484610 (VCV001484610.6), dbSNP rs2147966759, ClinGen allele CA2573157816.

ClinVar aggregate classification (germline): Uncertain significance (1 of 4 stars; one submission).

Submission:

Labcorp Genetics (formerly Invitae), Labcorp
Classification: Uncertain significance. Last evaluated: 2022-07-26. Review status: criteria provided, single submitter. Criteria: Invitae Variant Classification Sherloc (09022015). Collection method: clinical testing. Allele origin: germline.
Comment: This variant, c.1336_1338del, results in the deletion of 1 amino acid(s) of the LZTR1 protein (p.Glu446del), but otherwise preserves the integrity of the reading frame. In summary, the available evidence is currently insufficient to determine the role of this variant in disease. Therefore, it has been classified as a Variant of Uncertain Significance. Experimental studies and prediction algorithms are not available or were not evaluated, and the functional significance of this variant is currently unknown. ClinVar contains an entry for this variant (Variation ID: 1484610). This variant has not been reported in the literature in individuals affected with LZTR1-related conditions. This variant is not present in population databases (gnomAD no frequency).